The following is an entry in ClinVar:

NM_002485.5(NBN):c.541C>A (p.Leu181Met)

Gene: NBN (nibrin; minus strand). Cytogenetic location: 8q21.3.
Variant type: single nucleotide variant.
Coding change: c.541C>A on transcript NM_002485.5 (MANE Select); coding-DNA position 541, C replaced by A.
Protein change: p.Leu181Met; replaces leucine 181 with methionine.
Molecular consequence: missense variant.
Genome position (GRCh38, 1-based): chr8:89,978,263, G>T on the plus strand (C>A on the coding strand, the complement: NBN is on the minus strand). VCF-style: chr8-89978263-G-T. GRCh37 (hg19) VCF-style: chr8-90990491-G-T.
Other names: c.295C>A, p.Leu99Met (NM_001024688.3); short protein forms L181M, L99M.
Identifiers: ClinVar variation 530732 (VCV000530732.8), dbSNP rs1060504930, ClinGen allele CA371660252.

ClinVar aggregate classification (germline): Uncertain significance (1 of 4 stars; one submission).

Conditions:
Microcephaly, normal intelligence and immunodeficiency (NBS). Also called: Immunodeficiency, microcephaly with normal intelligence; Ataxia telangiectasia variant V1; IMMUNODEFICIENCY, MICROCEPHALY, AND CHROMOSOMAL INSTABILITY; BERLIN BREAKAGE SYNDROME; SEEMANOVA SYNDROME II; Nijmegen breakage syndrome. Identifiers: Orphanet 647, MedGen C0398791, MONDO:0009623, OMIM 251260.

gnomAD v4.1: 3 of 1,604,408 alleles (0.00019%); highest among the groups gnomAD compares: Non-Finnish European, 0.00026%; no homozygotes.

Submission:

Labcorp Genetics (formerly Invitae), Labcorp
Classification: Uncertain significance for Microcephaly, normal intelligence and immunodeficiency. Last evaluated: 2017-11-09. Review status: criteria provided, single submitter. Criteria: Invitae Variant Classification Sherloc (09022015). Collection method: clinical testing. Allele origin: germline.
Comment: In summary, the available evidence is currently insufficient to determine the role of this variant in disease. Therefore, it has been classified as a Variant of Uncertain Significance. Algorithms developed to predict the effect of missense changes on protein structure and function (SIFT, PolyPhen-2, Align-GVGD) all suggest that this variant is likely to be tolerated, but these predictions have not been confirmed by published functional studies and their clinical significance is uncertain. This variant has not been reported in the literature in individuals with NBN-related disease. This variant is not present in population databases (ExAC no frequency). This sequence change replaces leucine with methionine at codon 181 of the NBN protein (p.Leu181Met). The leucine residue is moderately conserved and there is a small physicochemical difference between leucine and methionine.